The following is an entry in ClinVar:

NM_001148.6(ANK2):c.1444T>C (p.Cys482Arg)

Gene: ANK2 (ankyrin 2; plus strand). Cytogenetic location: 4q26.
Variant type: single nucleotide variant.
Coding change: c.1444T>C on transcript NM_001148.6 (MANE Select); coding-DNA position 1444, T replaced by C.
Protein change: p.Cys482Arg; replaces cysteine 482 with arginine.
Molecular consequence: missense variant.
Genome position (GRCh38, 1-based): chr4:113,264,954, T>C. VCF-style: chr4-113264954-T-C. GRCh37 (hg19) VCF-style: chr4-114186110-T-C.
Other names: c.1381T>C, p.Cys461Arg (NM_001127493.3, NM_001354239.2, NM_001354243.2 and 14 more transcripts); c.1444T>C, p.Cys482Arg (NM_001354225.2, NM_001354228.2, NM_001354232.2 and 8 more transcripts); c.1489T>C, p.Cys497Arg (NM_001354230.2, NM_001354231.2, NM_001354237.2 and 5 more transcripts); c.1357T>C, p.Cys453Arg (NM_001354249.2, NM_001354260.2, NM_001354264.2 and 13 more transcripts); c.1402T>C, p.Cys468Arg (NM_001354261.2, NM_001386147.1, NM_001386160.1); c.1234T>C, p.Cys412Arg (NM_001354269.3); c.1246T>C, p.Cys416Arg (NM_001354273.2); c.1159T>C, p.Cys387Arg (NM_001354277.2, NM_001386157.1, NM_001386158.1); and 4 more; short protein forms C416R, C461R, C482R, C491R, C499R, C412R, C453R, C468R.
Identifiers: ClinVar variation 1772779 (VCV001772779.2), dbSNP rs2493688240, ClinGen allele CA357931094.

ClinVar aggregate classification (germline): Uncertain significance (1 of 4 stars; one submission).

Conditions:
Cardiovascular phenotype. Identifiers: MedGen CN230736.

Submission:

Ambry Genetics
Classification: Uncertain significance for Cardiovascular phenotype. Last evaluated: 2022-04-03. Review status: criteria provided, single submitter. Criteria: Ambry Variant Classification Scheme 2023. Collection method: clinical testing. Allele origin: germline.
Comment: The p.C482R variant (also known as c.1444T>C), located in coding exon 14 of the ANK2 gene, results from a T to C substitution at nucleotide position 1444. The cysteine at codon 482 is replaced by arginine, an amino acid with highly dissimilar properties. This amino acid position is conserved. In addition, this alteration is predicted to be deleterious by in silico analysis. Since supporting evidence is limited at this time, the clinical significance of this alteration remains unclear.